The following is an entry in ClinVar:

ClinVar aggregate classification (germline): Uncertain significance (1 of 4 stars; one submission).

gnomAD v4.1: 7 of 1,550,082 alleles (0.00045%); highest among the groups gnomAD compares: Admixed American, 0.002%; no homozygotes.

Submission:

Dasa
Classification: Uncertain significance. Last evaluated: 2025-06-27. Review status: criteria provided, single submitter. Criteria: DASA Assertion Criteria. Collection method: clinical testing. Allele origin: germline.
Comment: NM_001142864.4(PIEZO1):c.7226A>T (p.Gln2409Leu) is a missense variant that results in the substitution of glutamine with leucine. This variant is rare in population databases. Computational prediction algorithms are consistent with a benign effect. The currently available literature and clinical evidence are not sufficient to establish a definitive association between this variant and the reported condition. Therefore, this variant is classified as a variant of uncertain significance.

NM_001142864.4(PIEZO1):c.7226A>T (p.Gln2409Leu)

Gene: PIEZO1 (piezo type mechanosensitive ion channel component 1 (Er blood group); minus strand). Cytogenetic location: 16q24.3.
Variant type: single nucleotide variant.
Coding change: c.7226A>T on transcript NM_001142864.4 (MANE Select); coding-DNA position 7226, A replaced by T.
Protein change: p.Gln2409Leu; replaces glutamine 2409 with leucine.
Molecular consequence: missense variant.
Genome position (GRCh38, 1-based): chr16:88,716,023, T>A on the plus strand (A>T on the coding strand, the complement: PIEZO1 is on the minus strand). VCF-style: chr16-88716023-T-A. GRCh37 (hg19) VCF-style: chr16-88782431-T-A.
Other names: short protein forms Q2409L.
Identifiers: ClinVar variation 5020927 (VCV005020927.1).